The following is an entry in ClinVar:

ClinVar aggregate classification (germline): Uncertain significance. Review status: criteria provided, multiple submitters, no conflicts (2 of 4 stars). 2 submissions from 2 submitters: Uncertain significance (2). Last evaluated 2026-06-08.

Conditions:
PHKA2-related disorder. Also called: PHKA2-related condition.
Inborn genetic diseases. Identifiers: MedGen C0950123, MeSH D030342.

gnomAD v4.1: 1 of 1,206,276 alleles (0.000083%); highest among the groups gnomAD compares: African/African-American, 0.0017%; no homozygotes.

Submissions (2):

PreventionGenetics, part of Exact Sciences
Classification: Uncertain significance for PHKA2-related condition. Last evaluated: 2026-06-08. Review status: criteria provided, single submitter. Criteria: ACMG Guidelines, 2015. Collection method: clinical testing. Allele origin: germline.
Comment: The PHKA2 c.1031A>T variant is predicted to result in the amino acid substitution p.Asp344Val. To our knowledge, this variant has not been reported in the literature or in a large population database (gnomAD), indicating this variant is rare. At this time, the clinical significance of this variant is uncertain due to the absence of conclusive functional and genetic evidence.

Ambry Genetics
Classification: Uncertain significance for Inborn genetic diseases. Last evaluated: 2025-04-04. Review status: criteria provided, single submitter. Criteria: Ambry Variant Classification Scheme 2023. Collection method: clinical testing. Allele origin: germline.

NM_000292.3(PHKA2):c.1031A>T (p.Asp344Val)

Gene: PHKA2 (phosphorylase kinase regulatory subunit alpha 2; minus strand). Cytogenetic location: Xp22.13.
Variant type: single nucleotide variant.
Coding change: c.1031A>T on transcript NM_000292.3 (MANE Select); coding-DNA position 1031, A replaced by T.
Protein change: p.Asp344Val; replaces aspartic acid 344 with valine.
Molecular consequence: missense variant.
Genome position (GRCh38, 1-based): chrX:18,938,637, T>A on the plus strand (A>T on the coding strand, the complement: PHKA2 is on the minus strand). VCF-style: chrX-18938637-T-A. GRCh37 (hg19) VCF-style: chrX-18956755-T-A.
Other names: short protein forms D344V.
Identifiers: ClinVar variation 3931655 (VCV003931655.2).